The following is an entry in ClinVar:

ClinVar aggregate classification (germline): Conflicting classifications of pathogenicity. Review status: criteria provided, conflicting classifications (1 of 4 stars). 4 submissions from 4 submitters: Uncertain significance (1); Likely benign (2). 1 of the submissions does not count toward it. Last evaluated 2026-01-26.

Conditions:
Thyroid dyshormonogenesis 6 (TDH6). Also called: THYROID HORMONOGENESIS, GENETIC DEFECT IN, 6; Genetic transient congenital hypothyroidism; HYPOTHYROIDISM, CONGENITAL, DUE TO DYSHORMONOGENESIS, 6. Identifiers: Orphanet 226316, Orphanet 95716, MedGen C1846632, MONDO:0011792, OMIM 607200.
DUOX2-related disorder. Also called: DUOX2-related condition.

Allele frequency attached by ClinVar (database versions not stated): 1000 Genomes Project 30x 0.00016; 1000 Genomes Project 0.00020; gnomAD exomes 0.00046; ExAC 0.00048; gnomAD 0.00050 and 0.00051; TOPMed 0.00060; ESP Exome Variant Server 0.00085.

Submissions (4):

Labcorp Genetics (formerly Invitae), Labcorp
Classification: Likely benign. Last evaluated: 2026-01-26. Review status: criteria provided, single submitter. Criteria: Invitae Variant Classification Sherloc (09022015). Collection method: clinical testing. Allele origin: germline.

Women's Health and Genetics/Laboratory Corporation of America, LabCorp
Classification: Likely benign. Last evaluated: 2025-06-30. Review status: criteria provided, single submitter. Criteria: LabCorp Variant Classification Summary - May 2015. Collection method: clinical testing. Allele origin: germline.

Illumina Laboratory Services, Illumina
Classification: Uncertain significance for Thyroid dyshormonogenesis 6. Last evaluated: 2018-01-13. Review status: criteria provided, single submitter. Criteria: ICSL Variant Classification Criteria 13 December 2019. Collection method: clinical testing. Allele origin: germline.

PreventionGenetics, part of Exact Sciences
Classification: Likely benign for DUOX2-related condition. Last evaluated: 2019-03-05. Review status: no assertion criteria provided. Collection method: clinical testing. Allele origin: germline. Not counted in ClinVar's aggregate classification.
Comment: This variant is classified as likely benign based on ACMG/AMP sequence variant interpretation guidelines (Richards et al. 2015 PMID: 25741868, with internal and published modifications).

NM_001363711.2(DUOX2):c.3185-9C>T

Gene: DUOX2 (dual oxidase 2; minus strand). Cytogenetic location: 15q21.1.
Variant type: single nucleotide variant.
Coding change: c.3185-9C>T on transcript NM_001363711.2 (MANE Select); 9 bases into the intron before coding-DNA position 3185, C replaced by T.
Molecular consequence: intron variant.
Genome position (GRCh38, 1-based): chr15:45,099,901, G>A on the plus strand (C>T on the coding strand, the complement: DUOX2 is on the minus strand). VCF-style: chr15-45099901-G-A. GRCh37 (hg19) VCF-style: chr15-45392099-G-A.
Other names: c.3185-9C>T (NM_014080.5).
Identifiers: ClinVar variation 709539 (VCV000709539.15), dbSNP rs148813922, ClinGen allele CA7537966.